The following is an entry in ClinVar:

ClinVar aggregate classification (germline): Benign. Review status: criteria provided, multiple submitters, no conflicts (2 of 4 stars). 2 submissions from 2 submitters: Benign (2). Last evaluated 2017-04-27.

Conditions:
Hereditary spastic paraplegia 31. Also called: SPASTIC PARAPLEGIA 31, AUTOSOMAL DOMINANT. Identifiers: Orphanet 101011, MedGen C1853247, MONDO:0012453, OMIM 610250.

Allele frequency attached by ClinVar (database versions not stated): gnomAD exomes 0.00510.

Submissions (2):

Illumina Laboratory Services, Illumina
Classification: Benign for Hereditary spastic paraplegia 31. Last evaluated: 2017-04-27. Review status: criteria provided, single submitter. Criteria: ICSL Variant Classification Criteria 13 December 2019. Collection method: clinical testing. Allele origin: germline.
Comment: This variant was observed as part of a predisposition screen in an ostensibly healthy population. A literature search was performed for the gene, cDNA change, and amino acid change (where applicable). No publications were found based on this search. Allele frequency data from public databases was too high to be consistent with this variant causing disease. Therefore, this variant is classified as benign.

Breakthrough Genomics
Classification: Benign. Review status: criteria provided, single submitter. Criteria: ACMG Guidelines, 2015. Collection method: not provided. Allele origin: germline. Inheritance: Autosomal recessive inheritance. Affected: yes.

NM_001371279.1(REEP1):c.*1987G>A

Gene: REEP1 (receptor accessory protein 1; minus strand). Cytogenetic location: 2p11.2.
Variant type: single nucleotide variant.
Coding change: c.*1987G>A on transcript NM_001371279.1 (MANE Select); 1987 bases downstream of the stop codon, G replaced by A.
Molecular consequence: 3 prime UTR variant.
Genome position (GRCh38, 1-based): chr2:86,215,052, C>T on the plus strand (G>A on the coding strand, the complement: REEP1 is on the minus strand). VCF-style: chr2-86215052-C-T. GRCh37 (hg19) VCF-style: chr2-86442175-C-T.
Other names: c.*1987G>A (NM_001164732.2, NM_001371280.1); c.*2048G>A (NM_022912.3, NM_001164730.2, NM_001164731.2).
Identifiers: ClinVar variation 895457 (VCV000895457.5), dbSNP rs144937908, ClinGen allele CA51355674.
Genomic context (GRCh38, chr2:86,215,052, plus strand): 5'-AAAAAAAAAAATTGCTAAGAAGCTGTGTAAGCTTTTTTTTTTTTTTTTTTTTTTTGCATT[C>T]GTTTCTGATAATTCTGGGTACTTCCAACTAACAGGTAAATACATTTTAAAGAGTATATTC-3'